The following is an entry in ClinVar:

NM_198904.4(GABRG2):c.548+2T>C

Gene: GABRG2 (gamma-aminobutyric acid type A receptor subunit gamma2; plus strand). Cytogenetic location: 5q34.
Variant type: single nucleotide variant.
Coding change: c.548+2T>C on transcript NM_198904.4 (MANE Select); the canonical splice donor site of the intron after coding-DNA position 548, T replaced by C.
Molecular consequence: splice donor variant.
Genome position (GRCh38, 1-based): chr5:162,097,860, T>C. VCF-style: chr5-162097860-T-C. GRCh37 (hg19) VCF-style: chr5-161524866-T-C.
Other names: c.263+2T>C (NM_001375349.1); c.548+2T>C (NM_001375343.1, NM_001375344.1, NM_001375340.1 and 4 more transcripts); c.128+2T>C (NM_001375350.1, NM_001375348.1); c.539+2T>C (NM_001375339.1); c.482+2T>C (NM_001375346.1, NM_001375345.1); c.461+2T>C (NM_001375347.1).
Identifiers: ClinVar variation 4786137 (VCV004786137.1).
Genomic context (GRCh38, chr5:162,097,860, plus strand): 5'-ACCACCCCCAACAGGATGCTGAGAATTTGGAATGATGGTCGAGTGCTCTACACCCTAAGG[T>C]ATTCTTTTGCAAAAGGAAAGGAGTAATTGTTAGGAAGAAAACAAACAAACACAAAAATCA-3'

ClinVar aggregate classification (germline): Likely pathogenic (1 of 4 stars; one submission).

Conditions:
Febrile seizures, familial, 8 (FEB8). Also called: CONVULSIONS, FAMILIAL FEBRILE, 8. Identifiers: Orphanet 36387, MedGen C1969810, MONDO:0011891, OMIM 607681.
EPILEPSY, CHILDHOOD ABSENCE, SUSCEPTIBILITY TO, 2 (ECA2). Identifiers: Orphanet 64280, MedGen C1843244, OMIM 607681.

Submission:

Labcorp Genetics (formerly Invitae), Labcorp
Classification: Likely pathogenic for Febrile seizures, familial, 8; EPILEPSY, CHILDHOOD ABSENCE, SUSCEPTIBILITY TO, 2. Last evaluated: 2025-09-14. Review status: criteria provided, single submitter. Criteria: Invitae Variant Classification Sherloc (09022015). Collection method: clinical testing. Allele origin: germline.
Comment: This sequence change affects a donor splice site in intron 4 of the GABRG2 gene. It is expected to disrupt RNA splicing. Variants that disrupt the donor or acceptor splice site typically lead to a loss of protein function (PMID: 16199547), and loss-of-function variants in GABRG2 are known to be pathogenic (PMID: 22539854, 22750526, 24407264). This variant is not present in population databases (gnomAD no frequency). This variant has not been reported in the literature in individuals affected with GABRG2-related conditions. Algorithms developed to predict the effect of sequence changes on RNA splicing suggest that this variant may disrupt the consensus splice site. In summary, the currently available evidence indicates that the variant is pathogenic, but additional data are needed to prove that conclusively. Therefore, this variant has been classified as Likely Pathogenic.

Literature cited by the submitters: PubMed 16199547; PubMed 22539854; PubMed 22750526; PubMed 24407264.